The following is an entry in ClinVar:

NM_004211.5(SLC6A5):c.1426T>G (p.Phe476Val)

Gene: SLC6A5 (solute carrier family 6 member 5; plus strand). Cytogenetic location: 11p15.1.
Variant type: single nucleotide variant.
Coding change: c.1426T>G on transcript NM_004211.5 (MANE Select); coding-DNA position 1426, T replaced by G.
Protein change: p.Phe476Val; replaces phenylalanine 476 with valine.
Molecular consequence: missense variant.
Genome position (GRCh38, 1-based): chr11:20,628,010, T>G. VCF-style: chr11-20628010-T-G. GRCh37 (hg19) VCF-style: chr11-20649556-T-G.
Other names: c.724T>G, p.Phe242Val (NM_001318369.2); short protein forms F242V, F476V.
Identifiers: ClinVar variation 2056390 (VCV002056390.4), dbSNP rs1853033716, ClinGen allele CA379917228.

ClinVar aggregate classification (germline): Uncertain significance (1 of 4 stars; one submission).

Conditions:
Hyperekplexia 3 (HKPX3). Also called: HYPEREKPLEXIA 3, AUTOSOMAL RECESSIVE; HYPEREKPLEXIA 3, AUTOSOMAL DOMINANT. Identifiers: Orphanet 3197, MedGen C3553288, MONDO:0013827, OMIM 614618.

Submission:

Labcorp Genetics (formerly Invitae), Labcorp
Classification: Uncertain significance for Hyperekplexia 3. Last evaluated: 2021-12-24. Review status: criteria provided, single submitter. Criteria: Invitae Variant Classification Sherloc (09022015). Collection method: clinical testing. Allele origin: germline.
Comment: In summary, the available evidence is currently insufficient to determine the role of this variant in disease. Therefore, it has been classified as a Variant of Uncertain Significance. Advanced modeling of protein sequence and biophysical properties (such as structural, functional, and spatial information, amino acid conservation, physicochemical variation, residue mobility, and thermodynamic stability) performed at Invitae indicates that this missense variant is expected to disrupt SLC6A5 protein function. This variant has not been reported in the literature in individuals affected with SLC6A5-related conditions. This variant is not present in population databases (gnomAD no frequency). This sequence change replaces phenylalanine, which is neutral and non-polar, with valine, which is neutral and non-polar, at codon 476 of the SLC6A5 protein (p.Phe476Val).